The following is an entry in ClinVar:

ClinVar aggregate classification (germline): Uncertain significance. Review status: criteria provided, multiple submitters, no conflicts (2 of 4 stars). 3 submissions from 3 submitters: Uncertain significance (3). Last evaluated 2024-11-12.

Conditions:
Hereditary cancer-predisposing syndrome. Also called: Hereditary Cancer Syndrome; Neoplastic Syndromes, Hereditary; Tumor predisposition; Hereditary neoplastic syndrome. Identifiers: Orphanet 140162, MedGen C0027672, MeSH D009386, MONDO:0015356.
Ataxia-telangiectasia syndrome (AT). Also called: Cerebello-oculocutaneous telangiectasia; Immunodeficiency with ataxia telangiectasia; Ataxia-telangiectasia, complementation group E; Ataxia-telangiectasia, complementation group D; AT, COMPLEMENTATION GROUP C; ATAXIA-TELANGIECTASIA, COMPLEMENTATION GROUP A. Identifiers: Orphanet 100, MedGen C0004135, MONDO:0008840, OMIM 208900.

Allele frequency attached by ClinVar (database versions not stated): gnomAD exomes below 0.00001.
gnomAD v4.1: 1 of 1,613,664 alleles (0.000062%); highest among the groups gnomAD compares: Non-Finnish European, 0.000085%; no homozygotes.

Submissions (3):

Ambry Genetics
Classification: Uncertain significance for Hereditary cancer-predisposing syndrome. Last evaluated: 2024-11-12. Review status: criteria provided, single submitter. Criteria: Ambry Variant Classification Scheme 2023. Collection method: clinical testing. Allele origin: germline.
Comment: The p.A2225T variant (also known as c.6673G>A), located in coding exon 45 of the ATM gene, results from a G to A substitution at nucleotide position 6673. The alanine at codon 2225 is replaced by threonine, an amino acid with similar properties. This amino acid position is highly conserved in available vertebrate species. In addition, the in silico prediction for this alteration is inconclusive. Based on the available evidence, the clinical significance of this variant remains unclear.

Labcorp Genetics (formerly Invitae), Labcorp
Classification: Uncertain significance for Ataxia-telangiectasia syndrome. Last evaluated: 2021-08-27. Review status: criteria provided, single submitter. Criteria: Invitae Variant Classification Sherloc (09022015). Collection method: clinical testing. Allele origin: germline.
Comment: This sequence change replaces alanine with threonine at codon 2225 of the ATM protein (p.Ala2225Thr). The alanine residue is highly conserved and there is a small physicochemical difference between alanine and threonine. This variant is not present in population databases (ExAC no frequency). This variant has not been reported in the literature in individuals affected with ATM-related conditions. ClinVar contains an entry for this variant (Variation ID: 524341). Algorithms developed to predict the effect of missense changes on protein structure and function are either unavailable or do not agree on the potential impact of this missense change (SIFT: "Deleterious"; PolyPhen-2: "Possibly Damaging"; Align-GVGD: "Class C0"). In summary, the available evidence is currently insufficient to determine the role of this variant in disease. Therefore, it has been classified as a Variant of Uncertain Significance.

GeneDx
Classification: Uncertain significance. Last evaluated: 2021-04-12. Review status: criteria provided, single submitter. Criteria: GeneDx Variant Classification Process June 2021. Collection method: clinical testing. Allele origin: germline. Affected: yes.
Comment: Not observed in large population cohorts (Lek et al., 2016); In silico analysis supports that this missense variant does not alter protein structure/function; Has not been previously published as pathogenic or benign to our knowledge

NM_000051.4(ATM):c.6673G>A (p.Ala2225Thr)

Genes: ATM (ATM serine/threonine kinase; plus strand), C11orf65 (chromosome 11 open reading frame 65; minus strand). Cytogenetic location: 11q22.3.
Variant type: single nucleotide variant.
Coding change: c.6673G>A on transcript NM_000051.4 (MANE Select); coding-DNA position 6673, G replaced by A.
Protein change: p.Ala2225Thr; replaces alanine 2225 with threonine.
Molecular consequence: missense variant. On other transcripts: intron variant (2).
Genome position (GRCh38, 1-based): chr11:108,325,410, G>A. VCF-style: chr11-108325410-G-A. GRCh37 (hg19) VCF-style: chr11-108196137-G-A.
Other names: c.6673G>A, p.Ala2225Thr (NM_001351834.2); c.641-16339C>T (NM_001330368.2); c.*38+9810C>T (NM_001351110.2); short protein forms A2225T.
Identifiers: ClinVar variation 524341 (VCV000524341.12), dbSNP rs1555119121, ClinGen allele CA382554870.